The following is an entry in ClinVar:

NM_000434.4(NEU1):c.238C>A (p.Pro80Thr)

Gene: NEU1 (neuraminidase 1; minus strand). Cytogenetic location: 6p21.33.
Variant type: single nucleotide variant.
Coding change: c.238C>A on transcript NM_000434.4 (MANE Select); coding-DNA position 238, C replaced by A.
Protein change: p.Pro80Thr; replaces proline 80 with threonine.
Molecular consequence: missense variant.
Genome position (GRCh38, 1-based): chr6:31,862,113, G>T on the plus strand (C>A on the coding strand, the complement: NEU1 is on the minus strand). VCF-style: chr6-31862113-G-T. GRCh37 (hg19) VCF-style: chr6-31829890-G-T.
Other names: short protein forms P80T.
Identifiers: ClinVar variation 1324799 (VCV001324799.5), dbSNP rs1762543434, ClinGen allele CA363496350.

ClinVar aggregate classification (germline): Conflicting classifications of pathogenicity. Review status: criteria provided, conflicting classifications (1 of 4 stars). 2 submissions from 2 submitters: Likely pathogenic (1); Uncertain significance (1). Last evaluated 2025-06-23.

Conditions:
Sialidosis type 2. Also called: SIALIDASE DEFICIENCY; SIALIDOSIS, TYPE II; NEURAMINIDASE DEFICIENCY; GLYCOPROTEIN NEURAMINIDASE DEFICIENCY; LIPOMUCOPOLYSACCHARIDOSIS; ML I. Identifiers: Orphanet 812, Orphanet 87876, MedGen C4282398, MONDO:0009738, OMIM 256550.

Allele frequency attached by ClinVar (database versions not stated): gnomAD 0.00001.

Submissions (2):

Women's Health and Genetics/Laboratory Corporation of America, LabCorp
Classification: Uncertain significance. Last evaluated: 2025-06-23. Review status: criteria provided, single submitter. Criteria: LabCorp Variant Classification Summary - May 2015. Collection method: clinical testing. Allele origin: germline.
Comment: Variant summary: NEU1 c.238C>A (p.Pro80Thr) results in a non-conservative amino acid change in the encoded protein sequence. Algorithms developed to predict the effect of missense changes on protein structure and function all suggest that this variant is likely to be disruptive. The variant was absent in 246260 control chromosomes. The available data on variant occurrences in the general population are insufficient to allow any conclusion about variant significance. c.238C>A has been observed in at least 1 individual(s) with hydrops fetalis and genetic suspicion of sialidosis (Al-Kouatly_2021), without strong evidence for causality. These report(s) do not provide unequivocal conclusions about association of the variant with Sialidosis. To our knowledge, no experimental evidence demonstrating an impact on protein function has been reported. The following publication has been ascertained in the context of this evaluation (PMID: 33686258). ClinVar contains an entry for this variant (Variation ID: 1324799). Based on the evidence outlined above, the variant was classified as uncertain significance.

Revvity Omics, Revvity
Classification: Likely pathogenic for Sialidosis type 2. Last evaluated: 2020-03-02. Review status: criteria provided, single submitter. Criteria: ACMG Guidelines, 2015. Collection method: clinical testing. Allele origin: germline.

Literature cited by the submitters: PubMed 33686258 (cited by Women's Health and Genetics/Laboratory Corporation of America, LabCorp).